The following is an entry in ClinVar:

ClinVar aggregate classification (germline): Likely benign (1 of 4 stars; one submission).

Conditions:
Arrhythmogenic right ventricular cardiomyopathy (ARVD). Also called: Arrhythmogenic right ventricular dysplasia; Cardiomyopathy, ARVC; Arrhythmogenic cardiomyopathy; Arrhythmogenic Right Ventricular Cardiomyopathy (ARVC). Identifiers: Orphanet 247, MedGen C0349788, MeSH D019571, MONDO:0016587. Disease mechanism: loss of function. Inheritance: Various modes of inheritance.

Submission:

All of Us Research Program, National Institutes of Health
Classification: Likely benign for Arrhythmogenic right ventricular cardiomyopathy. Last evaluated: 2024-08-13. Review status: criteria provided, single submitter. Criteria: ACMG Guidelines, 2015. Collection method: clinical testing. Allele origin: germline. Inheritance: Autosomal dominant inheritance. Observed: 1 variant allele, 1 heterozygote.
Comment: This study involves interpretation of variants in research participants for the purpose of population health screening. Participant phenotype was not available at the time of variant classification. Additional details can be found in publication PMID: 35346344, PMCID: PMC8962531

NM_001943.5(DSG2):c.324T>C (p.Thr108=)

Gene: DSG2 (desmoglein 2; plus strand). Cytogenetic location: 18q12.1.
Variant type: single nucleotide variant.
Coding change: c.324T>C on transcript NM_001943.5 (MANE Select); coding-DNA position 324, T replaced by C.
Protein change: p.Thr108=; no amino-acid change (threonine 108 retained).
Molecular consequence: synonymous variant.
Genome position (GRCh38, 1-based): chr18:31,520,910, T>C. VCF-style: chr18-31520910-T-C. GRCh37 (hg19) VCF-style: chr18-29100873-T-C.
Identifiers: ClinVar variation 3386571 (VCV003386571.1).